The following is an entry in ClinVar:

NM_001276270.2(MBD4):c.365del (p.Ser122fs)

Gene: MBD4 (methyl-CpG binding domain 4, DNA glycosylase; minus strand). Cytogenetic location: 3q21.3.
Variant type: Deletion.
Coding change: c.365del on transcript NM_001276270.2 (MANE Select); coding-DNA position 365, one base deleted (G; older notation c.365delG).
Protein change: p.Ser122fs; shifts the reading frame from serine 122.
Molecular consequence: frameshift variant. On other transcripts: intron variant (1).
Genome position (GRCh38, 1-based): chr3:129,437,279, C deleted on the plus strand (G on the coding strand, the reverse complement: MBD4 is on the minus strand). VCF-style (leftmost placement, unchanged base first): chr3-129437278-AC-A. GRCh37 (hg19) VCF-style: chr3-129156121-AC-A.
Other names: c.365del, p.Ser122fs (NM_001276271.2, NM_001276272.2, NM_003925.3); c.247+529del (NM_001276273.2); short protein forms S122fs.
Identifiers: ClinVar variation 4886467 (VCV004886467.2).

ClinVar aggregate classification (germline): Likely pathogenic (1 of 4 stars; one submission).

Submission:

Dasa
Classification: Likely pathogenic. Last evaluated: 2025-06-26. Review status: criteria provided, single submitter. Criteria: DASA Assertion Criteria. Collection method: clinical testing. Allele origin: germline.
Comment: NM_001276270.2(MBD4):c.365del (p.Ser122Ilefs*42) is a frameshift variant in MBD4 predicted to alter the reading frame and introduce a premature termination codon and is predicted to result in an absent or altered protein product. Loss of function is an established disease mechanism for MBD4-associated disorders. Also, this variant is absent from population databases. Based on the currently available evidence, this variant is classified as likely pathogenic.